The following is an entry in ClinVar:

ClinVar aggregate classification (germline): Uncertain significance (1 of 4 stars; one submission).

Conditions:
Neonatal-onset encephalopathy with rigidity and seizures. Also called: Lethal neonatal spasticity-epileptic encephalopathy syndrome. Identifiers: Orphanet 435845, MedGen C3281029, MONDO:0013784, OMIM 614498.

Submission:

Labcorp Genetics (formerly Invitae), Labcorp
Classification: Uncertain significance for Neonatal-onset encephalopathy with rigidity and seizures. Last evaluated: 2024-07-25. Review status: criteria provided, single submitter. Criteria: Invitae Variant Classification Sherloc (09022015). Collection method: clinical testing. Allele origin: germline.
Comment: This sequence change replaces aspartic acid, which is acidic and polar, with histidine, which is basic and polar, at codon 728 of the BRAT1 protein (p.Asp728His). This variant is not present in population databases (gnomAD no frequency). This variant has not been reported in the literature in individuals affected with BRAT1-related conditions. Advanced modeling of protein sequence and biophysical properties (such as structural, functional, and spatial information, amino acid conservation, physicochemical variation, residue mobility, and thermodynamic stability) performed at Invitae indicates that this missense variant is not expected to disrupt BRAT1 protein function with a negative predictive value of 80%. In summary, the available evidence is currently insufficient to determine the role of this variant in disease. Therefore, it has been classified as a Variant of Uncertain Significance.

NM_152743.4(BRAT1):c.2182G>C (p.Asp728His)

Gene: BRAT1 (BRCA1 associated ATM activator 1; minus strand). Cytogenetic location: 7p22.3.
Variant type: single nucleotide variant.
Coding change: c.2182G>C on transcript NM_152743.4 (MANE Select); coding-DNA position 2182, G replaced by C.
Protein change: p.Asp728His; replaces aspartic acid 728 with histidine.
Molecular consequence: missense variant. On other transcripts: non-coding transcript variant (1).
Genome position (GRCh38, 1-based): chr7:2,538,353, C>G on the plus strand (G>C on the coding strand, the complement: BRAT1 is on the minus strand). VCF-style: chr7-2538353-C-G. GRCh37 (hg19) VCF-style: chr7-2577987-C-G.
Other names: c.2362G>C, p.Asp788His (NM_001350626.2); c.1657G>C, p.Asp553His (NM_001350627.2); short protein forms D553H, D728H, D788H.
Identifiers: ClinVar variation 3692669 (VCV003692669.2).